The following is an entry in ClinVar:

NM_000059.4(BRCA2):c.1668T>A (p.Asn556Lys)

Gene: BRCA2 (BRCA2 DNA repair associated; plus strand). Cytogenetic location: 13q13.1.
Variant type: single nucleotide variant.
Coding change: c.1668T>A on transcript NM_000059.4 (MANE Select); coding-DNA position 1668, T replaced by A.
Protein change: p.Asn556Lys; replaces asparagine 556 with lysine.
Molecular consequence: missense variant. On other transcripts: non-coding transcript variant (1), intron variant (1).
Genome position (GRCh38, 1-based): chr13:32,333,146, T>A. VCF-style: chr13-32333146-T-A. GRCh37 (hg19) VCF-style: chr13-32907283-T-A.
Other names: c.1668T>A, p.Asn556Lys (NM_001406719.1, NM_001406720.1, NM_001406721.1); c.424+2116T>A (NM_001406722.1); short protein forms N556K.
Identifiers: ClinVar variation 2903159 (VCV002903159.3), dbSNP rs776558472, ClinGen allele CA6940532.
Genomic context (GRCh38, chr13:32,333,146, plus strand): 5'-TGAAAGTGGACTGGAAATACATACTGTTTGCTCACAGAAGGAGGACTCCTTATGTCCAAA[T>A]TTAATTGATAATGGAAGCTGGCCAGCCACCACCACACAGAATTCTGTAGCTTTGAAGAAT-3'
Protein context (NP_000050.3, residues 546-566): CSQKEDSLCP[Asn556Lys]LIDNGSWPAT

ClinVar aggregate classification (germline): Uncertain significance (1 of 4 stars; one submission).

Conditions:
Hereditary breast ovarian cancer syndrome. Also called: Hereditary breast and ovarian cancer syndrome; BRCA1- and BRCA2-Associated Hereditary Breast and Ovarian Cancer; Breast and ovarian cancer; Hereditary breast and ovarian cancer; Hereditary breast and ovarian cancer syndrome (HBOC); Hereditary breast and/or ovarian cancer syndrome. Identifiers: Orphanet 145, MedGen C0677776, MeSH D061325, MONDO:0003582. Disease mechanism: loss of function.

Allele frequency attached by ClinVar (database versions not stated): gnomAD exomes below 0.00001; ExAC 0.00001.
gnomAD v4.1: 1 of 1,614,160 alleles (0.000062%); highest among the groups gnomAD compares: Non-Finnish European, 0.000085%; no homozygotes.

Submission:

Labcorp Genetics (formerly Invitae), Labcorp
Classification: Uncertain significance for Hereditary breast ovarian cancer syndrome. Last evaluated: 2023-11-20. Review status: criteria provided, single submitter. Criteria: Invitae Variant Classification Sherloc (09022015). Collection method: clinical testing. Allele origin: germline.
Comment: This sequence change replaces asparagine, which is neutral and polar, with lysine, which is basic and polar, at codon 556 of the BRCA2 protein (p.Asn556Lys). This variant is present in population databases (rs776558472, gnomAD 0.0009%). This variant has not been reported in the literature in individuals affected with BRCA2-related conditions. Advanced modeling of protein sequence and biophysical properties (such as structural, functional, and spatial information, amino acid conservation, physicochemical variation, residue mobility, and thermodynamic stability) performed at Invitae indicates that this missense variant is not expected to disrupt BRCA2 protein function with a negative predictive value of 95%. In summary, the available evidence is currently insufficient to determine the role of this variant in disease. Therefore, it has been classified as a Variant of Uncertain Significance.